The following is an entry in ClinVar:

ClinVar aggregate classification (germline): Conflicting classifications of pathogenicity. Review status: criteria provided, conflicting classifications (1 of 4 stars). 2 submissions from 2 submitters: Likely pathogenic (1); Uncertain significance (1). Last evaluated 2024-06-10.

Conditions:
Autosomal recessive hypophosphatemic bone disease (HHRH). Also called: HYPERCALCIURIC RICKETS; Hypophosphatemic rickets with hypercalciuria. Identifiers: Orphanet 157215, MedGen C1853271, MONDO:0009431, OMIM 241530.

Allele frequency attached by ClinVar (database versions not stated): TOPMed 0.00001; gnomAD 0.00002.

Submissions (2):

Fulgent Genetics
Classification: Likely pathogenic for Autosomal recessive hypophosphatemic bone disease. Last evaluated: 2024-06-10. Review status: criteria provided, single submitter. Criteria: ACMG Guidelines, 2015. Collection method: clinical testing. Allele origin: germline.

Labcorp Genetics (formerly Invitae), Labcorp
Classification: Uncertain significance. Last evaluated: 2022-03-12. Review status: criteria provided, single submitter. Criteria: Invitae Variant Classification Sherloc (09022015). Collection method: clinical testing. Allele origin: germline.
Comment: This sequence change creates a premature translational stop signal (p.Trp555*) in the SLC34A3 gene. While this is not anticipated to result in nonsense mediated decay, it is expected to disrupt the last 45 amino acid(s) of the SLC34A3 protein. This variant is present in population databases (no rsID available, gnomAD 0.01%). This variant has not been reported in the literature in individuals affected with SLC34A3-related conditions. Experimental studies and prediction algorithms are not available or were not evaluated, and the functional significance of this variant is currently unknown. This variant disrupts the C-terminus of the SLC34A3 protein. Other variant(s) that disrupt this region (p.Tyr588*) have been observed in individuals with SLC34A3-related conditions (PMID: 22387237). This suggests that this may be a clinically significant region of the protein. In summary, the available evidence is currently insufficient to determine the role of this variant in disease. Therefore, it has been classified as a Variant of Uncertain Significance.

Literature cited by the submitters: PubMed 22387237 (cited by Labcorp Genetics (formerly Invitae), Labcorp).

NM_001177316.2(SLC34A3):c.1664G>A (p.Trp555Ter)

Gene: SLC34A3 (solute carrier family 34 member 3; plus strand). Cytogenetic location: 9q34.3.
Variant type: single nucleotide variant.
Coding change: c.1664G>A on transcript NM_001177316.2 (MANE Select); coding-DNA position 1664, G replaced by A.
Protein change: p.Trp555Ter; replaces tryptophan 555 with a stop codon.
Molecular consequence: nonsense.
Genome position (GRCh38, 1-based): chr9:137,236,280, G>A. VCF-style: chr9-137236280-G-A. GRCh37 (hg19) VCF-style: chr9-140130732-G-A.
Other names: c.1664G>A (NM_080877.2); c.1664G>A, p.Trp555Ter (NM_001177317.2, NM_080877.3); short protein forms W555*.
Identifiers: ClinVar variation 1992149 (VCV001992149.2), dbSNP rs1245002528, ClinGen allele CA375741686.